The following is an entry in ClinVar:

ClinVar aggregate classification (germline): Uncertain significance (1 of 4 stars; one submission).

Submission:

Labcorp Genetics (formerly Invitae), Labcorp
Classification: Uncertain significance. Last evaluated: 2024-01-07. Review status: criteria provided, single submitter. Criteria: Invitae Variant Classification Sherloc (09022015). Collection method: clinical testing. Allele origin: germline.
Comment: This sequence change replaces cysteine, which is neutral and slightly polar, with arginine, which is basic and polar, at codon 106 of the SLC10A2 protein (p.Cys106Arg). This variant is present in population databases (rs764055456, gnomAD 0.003%). This variant has not been reported in the literature in individuals affected with SLC10A2-related conditions. Advanced modeling of protein sequence and biophysical properties (such as structural, functional, and spatial information, amino acid conservation, physicochemical variation, residue mobility, and thermodynamic stability) performed at Invitae indicates that this missense variant is expected to disrupt SLC10A2 protein function with a positive predictive value of 80%. In summary, the available evidence is currently insufficient to determine the role of this variant in disease. Therefore, it has been classified as a Variant of Uncertain Significance.

NM_000452.3(SLC10A2):c.316T>C (p.Cys106Arg)

Gene: SLC10A2 (solute carrier family 10 member 2; minus strand). Cytogenetic location: 13q33.1.
Variant type: single nucleotide variant.
Coding change: c.316T>C on transcript NM_000452.3 (MANE Select); coding-DNA position 316, T replaced by C.
Protein change: p.Cys106Arg; replaces cysteine 106 with arginine.
Molecular consequence: missense variant.
Genome position (GRCh38, 1-based): chr13:103,065,934, A>G on the plus strand (T>C on the coding strand, the complement: SLC10A2 is on the minus strand). VCF-style: chr13-103065934-A-G. GRCh37 (hg19) VCF-style: chr13-103718284-A-G.
Other names: short protein forms C106R.
Identifiers: ClinVar variation 2894589 (VCV002894589.3), dbSNP rs764055456, ClinGen allele CA7042284.